The following is an entry in ClinVar:

NM_021628.3(ALOXE3):c.397A>G (p.Arg133Gly)

Gene: ALOXE3 (arachidonate epidermal lipoxygenase 3; minus strand). Cytogenetic location: 17p13.1.
Variant type: single nucleotide variant.
Coding change: c.397A>G on transcript NM_021628.3 (MANE Select); coding-DNA position 397, A replaced by G.
Protein change: p.Arg133Gly; replaces arginine 133 with glycine.
Molecular consequence: missense variant.
Genome position (GRCh38, 1-based): chr17:8,115,644, T>C on the plus strand (A>G on the coding strand, the complement: ALOXE3 is on the minus strand). VCF-style: chr17-8115644-T-C. GRCh37 (hg19) VCF-style: chr17-8018962-T-C.
Other names: c.793A>G, p.Arg265Gly (NM_001165960.1); c.397A>G, p.Arg133Gly (NM_001369446.1); short protein forms R133G, R265G.
Identifiers: ClinVar variation 995459 (VCV000995459.6), dbSNP rs373520842, ClinGen allele CA8368444.
Genomic context (GRCh38, chr17:8,115,644, plus strand): 5'-AAGTCAAATTAGGCCACCCTCACCGGTAGCATTCTTGTCGGGCCCGGAGCTCCCGTGTCC[T>C]GTGATCCAGGAGGAGGGGAAGAGAGTCCTGACAAATAGTTCTTGCTGTGGGGAATGAAAA-3'
Protein context (NP_067641.2, residues 123-143): QDSLPLLLDH[Arg133Gly]TRELRARQEC

ClinVar aggregate classification (germline): Conflicting classifications of pathogenicity. Review status: criteria provided, conflicting classifications (1 of 4 stars). 5 submissions from 5 submitters: Likely pathogenic (1); Uncertain significance (3). 1 of the submissions does not count toward it. Last evaluated 2025-11-12.

Conditions:
Autosomal recessive congenital ichthyosis 2 (ARCI2). Identifiers: Orphanet 281122, Orphanet 79394, MedGen C3888093, MONDO:0009439, OMIM 242100.
Autosomal recessive congenital ichthyosis 3 (ARCI3). Also called: ICHTHYOSIS, LAMELLAR, 5. Identifiers: MedGen C3539888, MONDO:0011680, OMIM 606545.
ALOXE3-related disorder. Also called: ALOXE3-related condition.

Allele frequency attached by ClinVar (database versions not stated): ExAC 0.00002; gnomAD exomes 0.00004 and 0.00007; ESP Exome Variant Server 0.00008; TOPMed 0.00011.

Submissions (5):

Labcorp Genetics (formerly Invitae), Labcorp
Classification: Uncertain significance. Last evaluated: 2025-11-12. Review status: criteria provided, single submitter. Criteria: Invitae Variant Classification Sherloc (09022015). Collection method: clinical testing. Allele origin: germline.
Comment: This sequence change replaces arginine, which is basic and polar, with glycine, which is neutral and non-polar, at codon 133 of the ALOXE3 protein (p.Arg133Gly). This variant is present in population databases (rs373520842, gnomAD 0.008%). This missense change has been observed in individual(s) with self-improving collodion ichthyosis (PMID: 33435499). ClinVar contains an entry for this variant (Variation ID: 995459). Invitae Evidence Modeling of protein sequence and biophysical properties (such as structural, functional, and spatial information, amino acid conservation, physicochemical variation, residue mobility, and thermodynamic stability) indicates that this missense variant is expected to disrupt ALOXE3 protein function with a positive predictive value of 80%. In summary, the available evidence is currently insufficient to determine the role of this variant in disease. Therefore, it has been classified as a Variant of Uncertain Significance.

Blueprint Genetics
Classification: Likely pathogenic for ALOXE3-related disorders. Last evaluated: 2024-04-12. Review status: criteria provided, single submitter. Criteria: ACMG Guidelines, 2015. Collection method: clinical testing. Allele origin: germline. Affected: yes. Observed: 2 variant alleles.

Women's Health and Genetics/Laboratory Corporation of America, LabCorp
Classification: Uncertain significance. Last evaluated: 2023-12-13. Review status: criteria provided, single submitter. Criteria: LabCorp Variant Classification Summary - May 2015. Collection method: clinical testing. Allele origin: germline.
Comment: Variant summary: ALOXE3 c.397A>G (p.Arg133Gly) results in a non-conservative amino acid change located in the Lipoxygenase, C-terminal (IPR013819) of the encoded protein sequence. Five of five in-silico tools predict a damaging effect of the variant on protein function. The variant allele was found at a frequency of 3.6e-05 in 251490 control chromosomes. The available data on variant occurrences in the general population are insufficient to allow any conclusion about variant significance. c.397A>G has been reported in the literature in at least one compound heterozygous individual affected with autosomal recessive congenital ichthyoses (e.g. Hotz_2021). These data do not allow any conclusion about variant significance. To our knowledge, no experimental evidence demonstrating an impact on protein function has been reported. The following publication has been ascertained in the context of this evaluation (PMID: 33435499). One submitter has cited clinical-significance assessments for this variant to ClinVar after 2014 and has classified the variant as pathogenic, without evidence for independent evaluation. Based on the evidence outlined above, the variant was classified as uncertain significance.

Department of Pathology and Laboratory Medicine, Sinai Health System
Classification: Uncertain significance for Autosomal recessive congenital ichthyosis 2; Autosomal recessive congenital ichthyosis 3. Last evaluated: 2023-01-16. Review status: criteria provided, single submitter. Criteria: ACMG Guidelines, 2015. Collection method: research. Allele origin: germline.

Institute for Human Genetics, University Medical Center Freiburg
Classification: Pathogenic for Autosomal recessive congenital ichthyosis 3. Last evaluated: 2021-01-07. Review status: no assertion criteria provided. Collection method: clinical testing. Allele origin: unknown. Affected: yes. Not counted in ClinVar's aggregate classification.

Literature cited by the submitters: PubMed 33435499 (cited by Labcorp Genetics (formerly Invitae), Labcorp and Women's Health and Genetics/Laboratory Corporation of America, LabCorp).